The following is an entry in ClinVar:

ClinVar aggregate classification (germline): Pathogenic/Likely pathogenic. Review status: criteria provided, multiple submitters, no conflicts (2 of 4 stars). 3 submissions from 3 submitters: Pathogenic (1); Likely pathogenic (1). 1 of the submissions does not count toward it. Last evaluated 2026-01-02.

Conditions:
Autosomal recessive limb-girdle muscular dystrophy. Identifiers: Orphanet 102015, MedGen C2931907, MONDO:0015152.
Autosomal recessive limb-girdle muscular dystrophy type 2E (LGMDR4). Also called: MUSCULAR DYSTROPHY, LIMB-GIRDLE, AUTOSOMAL RECESSIVE 4. Identifiers: Orphanet 119, MedGen C1858593, MONDO:0011423, OMIM 604286. Disease mechanism: Affects gamma-sarcoglycan and also disrupts the integrity of the entire sarcoglycan complex..

Allele frequency attached by ClinVar (database versions not stated): TOPMed below 0.00001.

Submissions (3):

Women's Health and Genetics/Laboratory Corporation of America, LabCorp
Classification: Pathogenic for Autosomal recessive limb-girdle muscular dystrophy. Last evaluated: 2026-01-02. Review status: criteria provided, single submitter. Criteria: LabCorp Variant Classification Summary - May 2015. Collection method: clinical testing. Allele origin: germline.
Comment: Variant summary: SGCB c.323T>G (p.Leu108Arg) results in a non-conservative amino acid change in the encoded protein sequence. Algorithms developed to predict the effect of missense changes on protein structure and function all suggest that this variant is likely to be disruptive. The variant was absent in 251476 control chromosomes. c.323T>G has been observed in multiple individuals affected with Autosomal Recessive Limb-Girdle Muscular Dystrophy (e.g. Moreira_2003, Alcantara-Ortigoza_2019, Bevilacqua_2024). These data indicate that the variant is very likely to be associated with disease. To our knowledge, no experimental evidence demonstrating an impact on protein function has been reported. The following publications have been ascertained in the context of this evaluation (PMID: 31671740, 39678382, 8968749, 12566530, 8968750). ClinVar contains an entry for this variant (Variation ID: 8717). Based on the evidence outlined above, the variant was classified as pathogenic.

Revvity Omics, Revvity
Classification: Likely pathogenic for Autosomal recessive limb-girdle muscular dystrophy type 2E. Last evaluated: 2023-11-30. Review status: criteria provided, single submitter. Criteria: ACMG Guidelines, 2015. Collection method: clinical testing. Allele origin: germline.

OMIM
Classification: Pathogenic for MUSCULAR DYSTROPHY, LIMB-GIRDLE, AUTOSOMAL RECESSIVE 4. Last evaluated: 1996-12-01. Review status: no assertion criteria provided. Collection method: literature only. Allele origin: germline. Not counted in ClinVar's aggregate classification.

Literature cited by the submitters: PubMed 12566530 (cited by Women's Health and Genetics/Laboratory Corporation of America, LabCorp); PubMed 39678382 (cited by Women's Health and Genetics/Laboratory Corporation of America, LabCorp); PubMed 31671740 (cited by Women's Health and Genetics/Laboratory Corporation of America, LabCorp); PubMed 8968749 (cited by Women's Health and Genetics/Laboratory Corporation of America, LabCorp and OMIM); PubMed 8968750 (cited by Women's Health and Genetics/Laboratory Corporation of America, LabCorp).

NM_000232.5(SGCB):c.323T>G (p.Leu108Arg)

Gene: SGCB (sarcoglycan beta; minus strand). Cytogenetic location: 4q12.
Variant type: single nucleotide variant.
Coding change: c.323T>G on transcript NM_000232.5 (MANE Select); coding-DNA position 323, T replaced by G.
Protein change: p.Leu108Arg; replaces leucine 108 with arginine.
Molecular consequence: missense variant.
Genome position (GRCh38, 1-based): chr4:52,029,784, A>C on the plus strand (T>G on the coding strand, the complement: SGCB is on the minus strand). VCF-style: chr4-52029784-A-C. GRCh37 (hg19) VCF-style: chr4-52895950-A-C.
Other names: c.323T>G (NM_000232.4); short protein forms L108R.
Identifiers: ClinVar variation 8717 (VCV000008717.5), dbSNP rs104893870, ClinGen allele CA119856.